The following is an entry in ClinVar:

ClinVar aggregate classification (germline): Likely benign. Review status: criteria provided, multiple submitters, no conflicts (2 of 4 stars). 3 submissions from 3 submitters: Likely benign (3). Last evaluated 2025-09-29.

Allele frequency attached by ClinVar (database versions not stated): gnomAD exomes 0.00006 and 0.00010; TOPMed 0.00007; gnomAD 0.00009 and 0.00010; ExAC 0.00010.
gnomAD v4.1: 162 of 1,614,054 alleles (0.01%); highest among the groups gnomAD compares: East Asian, 0.022%; no homozygotes.

Submissions (3):

Labcorp Genetics (formerly Invitae), Labcorp
Classification: Likely benign. Last evaluated: 2025-09-29. Review status: criteria provided, single submitter. Criteria: Invitae Variant Classification Sherloc (09022015). Collection method: clinical testing. Allele origin: germline.

CeGaT Center for Human Genetics Tuebingen
Classification: Likely benign. Last evaluated: 2025-05-01. Review status: criteria provided, single submitter. Criteria: CeGaT Center For Human Genetics Tuebingen Variant Classification Criteria Version 2. Collection method: clinical testing. Allele origin: germline. Affected: yes. Observed: 2 variant alleles.
Comment: KATNIP: BP4, BP7

Blueprint Genetics
Classification: Likely benign. Last evaluated: 2024-09-11. Review status: criteria provided, single submitter. Criteria: ACMG Guidelines, 2015. Collection method: clinical testing. Allele origin: germline.

NM_015202.5(KATNIP):c.1902C>T (p.Asn634=)

Gene: KATNIP (katanin interacting protein; plus strand). Cytogenetic location: 16p12.1.
Variant type: single nucleotide variant.
Coding change: c.1902C>T on transcript NM_015202.5 (MANE Select); coding-DNA position 1902, C replaced by T.
Protein change: p.Asn634=; no amino-acid change (asparagine 634 retained).
Molecular consequence: synonymous variant.
Genome position (GRCh38, 1-based): chr16:27,740,199, C>T. VCF-style: chr16-27740199-C-T. GRCh37 (hg19) VCF-style: chr16-27751520-C-T.
Identifiers: ClinVar variation 733669 (VCV000733669.33), dbSNP rs377098130, ClinGen allele CA7977854.